The following is an entry in ClinVar:

NM_000548.5(TSC2):c.849-13G>A

Gene: TSC2 (TSC complex subunit 2; plus strand). Cytogenetic location: 16p13.3.
Variant type: single nucleotide variant.
Coding change: c.849-13G>A on transcript NM_000548.5 (MANE Select); 13 bases into the intron before coding-DNA position 849, G replaced by A.
Molecular consequence: intron variant.
Genome position (GRCh38, 1-based): chr16:2,058,734, G>A. VCF-style: chr16-2058734-G-A. GRCh37 (hg19) VCF-style: chr16-2108735-G-A.
Other names: c.849-13G>A (NM_001114382.3, NM_021055.3, NM_001370405.1 and 3 more transcripts); c.738-13G>A (NM_001318827.2); c.249-13G>A (NM_001318831.2); c.702-13G>A (NM_001318829.2); c.882-13G>A (NM_001318832.2).
Identifiers: ClinVar variation 318308 (VCV000318308.17), dbSNP rs886051787, ClinGen allele CA10637322.

ClinVar aggregate classification (germline): Conflicting classifications of pathogenicity. Review status: criteria provided, conflicting classifications (1 of 4 stars). 5 submissions from 5 submitters: Uncertain significance (4); Likely benign (1). Last evaluated 2025-08-11.

Conditions:
Tuberous sclerosis syndrome (TSC). Also called: Tuberous Sclerosis Complex; Tuberous sclerosis. Identifiers: Orphanet 805, MedGen C0041341, MONDO:0001734.
Tuberous sclerosis 2 (TSC2). Identifiers: Orphanet 805, MedGen C1860707, MONDO:0013199, OMIM 613254.

Allele frequency attached by ClinVar (database versions not stated): gnomAD exomes 0.00001.
gnomAD v4.1: 14 of 1,574,298 alleles (0.00089%); highest among the groups gnomAD compares: Non-Finnish European, 0.0011%; no homozygotes.

Submissions (5):

Labcorp Genetics (formerly Invitae), Labcorp
Classification: Likely benign for Tuberous sclerosis 2. Last evaluated: 2025-08-11. Review status: criteria provided, single submitter. Criteria: Invitae Variant Classification Sherloc (09022015). Collection method: clinical testing. Allele origin: germline.

All of Us Research Program, National Institutes of Health
Classification: Uncertain significance for Tuberous sclerosis syndrome. Last evaluated: 2023-08-15. Review status: criteria provided, single submitter. Criteria: ACMG Guidelines, 2015. Collection method: clinical testing. Allele origin: germline. Inheritance: Autosomal dominant inheritance. Observed: 1 variant allele, 1 heterozygote.
Comment: This variant causes a G to A nucleotide substitution at the -13 position of intron 9 of the TSC2 gene. Splice site prediction tools predict that this variant may have an impact on RNA splicing. To our knowledge, functional studies have not been reported for this variant. This variant has not been reported in individuals affected with TSC2-related disorders in the literature. This variant has not been identified in the general population by the Genome Aggregation Database (gnomAD). The available evidence is insufficient to determine the role of this variant in disease conclusively. Therefore, this variant is classified as a Variant of Uncertain Significance.

This study involves interpretation of variants in research participants for the purpose of population health screening. Participant phenotype was not available at the time of variant classification. Additional details can be found in publication PMID: 35346344, PMCID: PMC8962531

GeneDx
Classification: Uncertain significance. Last evaluated: 2023-02-22. Review status: criteria provided, single submitter. Criteria: GeneDx Variant Classification Process June 2021. Collection method: clinical testing. Allele origin: germline. Affected: yes.
Comment: Not observed at significant frequency in large population cohorts (gnomAD); In silico analysis supports a deleterious effect on splicing; Has not been previously published as pathogenic or benign to our knowledge

Genome-Nilou Lab
Classification: Uncertain significance for Tuberous sclerosis 2. Last evaluated: 2021-11-07. Review status: criteria provided, single submitter. Criteria: ACMG Guidelines, 2015. Collection method: clinical testing. Allele origin: germline. Affected: no.

Illumina Laboratory Services, Illumina
Classification: Uncertain significance for Tuberous sclerosis syndrome. Last evaluated: 2018-01-13. Review status: criteria provided, single submitter. Criteria: ICSL Variant Classification Criteria 13 December 2019. Collection method: clinical testing. Allele origin: germline.